The following is an entry in ClinVar:

ClinVar aggregate classification (germline): Benign/Likely benign. Review status: criteria provided, multiple submitters, no conflicts (2 of 4 stars). 7 submissions from 7 submitters: Benign (4); Likely benign (2). 1 of the submissions does not count toward it. Last evaluated 2026-04-01.

Conditions:
Inborn genetic diseases. Identifiers: MedGen C0950123, MeSH D030342.
Developmental and epileptic encephalopathy, 12 (DEE12). Identifiers: MedGen C3150988, MONDO:0013389, OMIM 613722.

Allele frequency attached by ClinVar (database versions not stated): gnomAD exomes 0.00101 and 0.00286; ExAC 0.00336; ESP Exome Variant Server 0.00915; gnomAD 0.00926 and 0.00997; TOPMed 0.01053; 1000 Genomes Project 0.01138; 1000 Genomes Project 30x 0.01265.
gnomAD v4.1: 2,959 of 1,613,564 alleles (0.18%); highest among the groups gnomAD compares: African/African-American, 3.1%; 37 homozygotes.

Submissions (7):

CeGaT Center for Human Genetics Tuebingen
Classification: Benign. Last evaluated: 2026-04-01. Review status: criteria provided, single submitter. Criteria: CeGaT Center For Human Genetics Tuebingen Variant Classification Criteria Version 2. Collection method: clinical testing. Allele origin: germline. Affected: yes. Observed: 5 variant alleles.
Comment: PLCB1: PP2, BP4, BS1, BS2

Labcorp Genetics (formerly Invitae), Labcorp
Classification: Benign for Developmental and epileptic encephalopathy, 12. Last evaluated: 2026-02-03. Review status: criteria provided, single submitter. Criteria: Invitae Variant Classification Sherloc (09022015). Collection method: clinical testing. Allele origin: germline.

Athena Diagnostics
Classification: Benign. Last evaluated: 2024-06-11. Review status: criteria provided, single submitter. Criteria: Athena Diagnostics Criteria. Collection method: clinical testing. Allele origin: unknown.

GeneDx
Classification: Likely benign. Last evaluated: 2020-12-03. Review status: criteria provided, single submitter. Criteria: GeneDx Variant Classification Process June 2021. Collection method: clinical testing. Allele origin: germline. Affected: yes.
Comment: This variant is associated with the following publications: (PMID: 32970752)

Ambry Genetics
Classification: Benign for Inborn genetic diseases. Last evaluated: 2016-06-21. Review status: criteria provided, single submitter. Criteria: Ambry Variant Classification Scheme 2023. Collection method: clinical testing. Allele origin: germline.

Center for Pediatric Genomic Medicine, Children's Mercy Hospital and Clinics
Classification: Likely benign. Last evaluated: 2015-09-04. Review status: criteria provided, single submitter. Criteria: ACMG Guidelines, 2015. Collection method: clinical testing. Allele origin: germline.
ClinVar note: Converted during submission from Likely Benign to Likely benign.

Genetic Services Laboratory, University of Chicago
Classification: Likely benign for AllHighlyPenetrant. Review status: no assertion criteria provided. Collection method: clinical testing. Allele origin: germline. Inheritance: Autosomal recessive inheritance. Not counted in ClinVar's aggregate classification.
Comment: Likely benign based on allele frequency in 1000 Genomes Project or ESP global frequency and its presence in a patient with a rare or unrelated disease phenotype. NOT Sanger confirmed.

NM_015192.4(PLCB1):c.2191C>G (p.Pro731Ala)

Gene: PLCB1 (phospholipase C beta 1; plus strand). Cytogenetic location: 20p12.3.
Variant type: single nucleotide variant.
Coding change: c.2191C>G on transcript NM_015192.4 (MANE Select); coding-DNA position 2191, C replaced by G.
Protein change: p.Pro731Ala; replaces proline 731 with alanine.
Molecular consequence: missense variant.
Genome position (GRCh38, 1-based): chr20:8,737,175, C>G. VCF-style: chr20-8737175-C-G. GRCh37 (hg19) VCF-style: chr20-8717822-C-G.
Other names: c.2191C>G, p.Pro731Ala (NM_182734.3); short protein forms P731A.
Identifiers: ClinVar variation 129904 (VCV000129904.52), dbSNP rs61755434, ClinGen allele CA154266.